The following is an entry in ClinVar:

NM_000271.5(NPC1):c.1402T>C (p.Cys468Arg)

Gene: NPC1 (NPC intracellular cholesterol transporter 1; minus strand). Cytogenetic location: 18q11.2.
Variant type: single nucleotide variant.
Coding change: c.1402T>C on transcript NM_000271.5 (MANE Select); coding-DNA position 1402, T replaced by C.
Protein change: p.Cys468Arg; replaces cysteine 468 with arginine.
Molecular consequence: missense variant.
Genome position (GRCh38, 1-based): chr18:23,554,909, A>G on the plus strand (T>C on the coding strand, the complement: NPC1 is on the minus strand). VCF-style: chr18-23554909-A-G. GRCh37 (hg19) VCF-style: chr18-21134873-A-G.
Other names: short protein forms C468R.
Identifiers: ClinVar variation 4802999 (VCV004802999.1).
Genomic context (GRCh38, chr18:23,554,909, plus strand): 5'-AGTAATTTAACACACTCAAAATGGTGCAGTTCGTGTTATACGGTGAAAGAGGGGCCAAGC[A>G]GATGTCTTGAAGTGTCACAGTCTCATTGTCATAAGAGGCAGTAATGTTTTCGATGGCTAT-3'
Protein context (NP_000262.2, residues 458-478): DNETVTLQDI[Cys468Arg]LAPLSPYNTN

ClinVar aggregate classification (germline): Likely pathogenic (1 of 4 stars; one submission).

Conditions:
Niemann-Pick disease, type C1. Also called: NEUROVISCERAL STORAGE DISEASE WITH VERTICAL SUPRANUCLEAR OPHTHALMOPLEGIA; NIEMANN-PICK DISEASE WITH CHOLESTEROL ESTERIFICATION BLOCK; NIEMANN-PICK DISEASE WITHOUT SPHINGOMYELINASE DEFICIENCY; NIEMANN-PICK DISEASE, CHRONIC NEURONOPATHIC FORM; NIEMANN-PICK DISEASE, VARIANT TYPE C1. Identifiers: Orphanet 646, MedGen C3179455, MONDO:0009757, OMIM 257220.

Submission:

Labcorp Genetics (formerly Invitae), Labcorp
Classification: Likely pathogenic for Niemann-Pick disease, type C1. Last evaluated: 2025-11-26. Review status: criteria provided, single submitter. Criteria: Invitae Variant Classification Sherloc (09022015). Collection method: clinical testing. Allele origin: germline.
Comment: This sequence change replaces cysteine, which is neutral and slightly polar, with arginine, which is basic and polar, at codon 468 of the NPC1 protein (p.Cys468Arg). This variant is not present in population databases (gnomAD no frequency). This variant has not been reported in the literature in individuals affected with NPC1-related conditions. Invitae Evidence Modeling of protein sequence and biophysical properties (such as structural, functional, and spatial information, amino acid conservation, physicochemical variation, residue mobility, and thermodynamic stability) indicates that this missense variant is expected to disrupt NPC1 protein function with a positive predictive value of 95%. This variant disrupts the p.Cys468 amino acid residue in NPC1. Other variant(s) that disrupt this residue have been determined to be pathogenic (PMID: 25071864, 25764212; internal data). This suggests that this residue is clinically significant, and that variants that disrupt this residue are likely to be disease-causing. In summary, the currently available evidence indicates that the variant is pathogenic, but additional data are needed to prove that conclusively. Therefore, this variant has been classified as Likely Pathogenic.

Literature cited by the submitters: PubMed 25071864; PubMed 25764212.